The following is an entry in ClinVar:

NM_000535.7(PMS2):c.1362G>A (p.Leu454=)

Gene: PMS2 (PMS1 homolog 2, mismatch repair system component; minus strand). Cytogenetic location: 7p22.1.
Variant type: single nucleotide variant.
Coding change: c.1362G>A on transcript NM_000535.7 (MANE Select); coding-DNA position 1362, G replaced by A.
Protein change: p.Leu454=; no amino-acid change (leucine 454 retained).
Molecular consequence: synonymous variant. On other transcripts: non-coding transcript variant (1), intron variant (1).
Genome position (GRCh38, 1-based): chr7:5,987,403, C>T on the plus strand (G>A on the coding strand, the complement: PMS2 is on the minus strand). VCF-style: chr7-5987403-C-T. GRCh37 (hg19) VCF-style: chr7-6027034-C-T.
Other names: c.957G>A, p.Leu319= (NM_001018040.1, NM_001322003.2, NM_001322004.2 and 17 more transcripts); c.1206G>A, p.Leu402= (NM_001322006.2, NM_001406870.1); c.1044G>A, p.Leu348= (NM_001322007.2, NM_001322008.2, NM_001406876.1 and 2 more transcripts); c.801G>A, p.Leu267= (NM_001322010.2, NM_001406906.1, NM_001406907.1); c.429G>A, p.Leu143= (NM_001322011.2, NM_001322012.2); c.789G>A, p.Leu263= (NM_001322013.2, NM_001406909.1); c.1362G>A, p.Leu454= (NM_001322014.2, NM_001406871.1, NM_001406872.1); c.1053G>A, p.Leu351= (NM_001322015.2, NM_001406875.1, NM_001406877.1 and 5 more transcripts); and 13 more.
Identifiers: ClinVar variation 1770867 (VCV001770867.3), dbSNP rs1583321045, ClinGen allele CA453746851.

ClinVar aggregate classification (germline): Benign/Likely benign. Review status: criteria provided, multiple submitters, no conflicts (2 of 4 stars). 2 submissions from 2 submitters: Benign (1); Likely benign (1). Last evaluated 2025-01-30.

Conditions:
Hereditary cancer-predisposing syndrome. Also called: Hereditary Cancer Syndrome; Hereditary neoplastic syndrome; Neoplastic Syndromes, Hereditary; Tumor predisposition. Identifiers: Orphanet 140162, MedGen C0027672, MeSH D009386, MONDO:0015356.
Lynch syndrome 4 (LYNCH4). Also called: Colorectal cancer, hereditary nonpolyposis, type 4; Hereditary non-polyposis colorectal cancer, type 4. Identifiers: Orphanet 144, MedGen C1838333, MONDO:0013699, OMIM 614337. Disease mechanism: loss of function.

Submissions (2):

Myriad Genetics, Inc.
Classification: Benign for Lynch syndrome 4. Last evaluated: 2025-01-30. Review status: criteria provided, single submitter. Criteria: Myriad Autosomal Dominant, Autosomal Recessive and X-Linked Classification Criteria (2023). Collection method: clinical testing. Allele origin: unknown.
Comment: This variant is considered benign. This variant is a silent/synonymous amino acid change and it is not expected to impact splicing.

Ambry Genetics
Classification: Likely benign for Hereditary cancer-predisposing syndrome. Last evaluated: 2020-11-14. Review status: criteria provided, single submitter. Criteria: Ambry Variant Classification Scheme 2023. Collection method: clinical testing. Allele origin: germline.